The following is an entry in ClinVar:

NM_014391.3(ANKRD1):c.950C>T (p.Ala317Val)

Gene: ANKRD1 (ankyrin repeat domain 1; minus strand). Cytogenetic location: 10q23.31.
Variant type: single nucleotide variant.
Coding change: c.950C>T on transcript NM_014391.3 (MANE Select); coding-DNA position 950, C replaced by T.
Protein change: p.Ala317Val; replaces alanine 317 with valine.
Molecular consequence: missense variant.
Genome position (GRCh38, 1-based): chr10:90,912,876, G>A on the plus strand (C>T on the coding strand, the complement: ANKRD1 is on the minus strand). VCF-style: chr10-90912876-G-A. GRCh37 (hg19) VCF-style: chr10-92672633-G-A.
Other names: short protein forms A317V.
Identifiers: ClinVar variation 3296215 (VCV003296215.1).

ClinVar aggregate classification (germline): Uncertain significance (1 of 4 stars; one submission).

Conditions:
Cardiovascular phenotype. Identifiers: MedGen CN230736.

Submission:

Ambry Genetics
Classification: Uncertain significance for Cardiovascular phenotype. Last evaluated: 2024-05-19. Review status: criteria provided, single submitter. Criteria: Ambry Variant Classification Scheme 2023. Collection method: clinical testing. Allele origin: germline.
Comment: The p.A317V variant (also known as c.950C>T), located in coding exon 9 of the ANKRD1 gene, results from a C to T substitution at nucleotide position 950. The alanine at codon 317 is replaced by valine, an amino acid with similar properties. This amino acid position is conserved. In addition, this alteration is predicted to be tolerated by in silico analysis. Based on the available evidence, the clinical significance of this variant remains unclear.